The following is an entry in ClinVar:

NM_000059.4(BRCA2):c.8373del (p.Lys2791fs)

Gene: BRCA2 (BRCA2 DNA repair associated; plus strand). Cytogenetic location: 13q13.1.
Variant type: Deletion.
Coding change: c.8373del on transcript NM_000059.4 (MANE Select); coding-DNA position 8373, one base deleted (A; older notation c.8373delA).
Protein change: p.Lys2791fs; shifts the reading frame from lysine 2791.
Molecular consequence: frameshift variant. On other transcripts: non-coding transcript variant (1).
Genome position (GRCh38, 1-based): chr13:32,370,443, A deleted; the last of 3 consecutive A bases (chr13:32,370,441-32,370,443); deleting any one gives the same sequence. VCF-style (leftmost placement, unchanged base first): chr13-32370440-CA-C. GRCh37 (hg19) VCF-style: chr13-32944577-CA-C.
Other names: c.8373delA, p.Lys2791Asnfs (NM_000059.3); c.8277del, p.Lys2759fs (NM_001406719.1); c.8373del, p.Lys2791fs (NM_001406720.1); c.3441del, p.Lys1147fs (NM_001406721.1); c.1956del, p.Lys652fs (NM_001406722.1); short protein forms K1147fs, K2759fs, K2791fs, K652fs.
Identifiers: ClinVar variation 2681841 (VCV002681841.1), dbSNP rs2548550009, ClinGen allele CA2697551787.

ClinVar aggregate classification (germline): Likely pathogenic (1 of 4 stars; one submission).

Submission:

Quest Diagnostics Nichols Institute San Juan Capistrano
Classification: Likely pathogenic. Last evaluated: 2022-11-01. Review status: criteria provided, single submitter. Criteria: Quest Diagnostics criteria. Collection method: clinical testing. Allele origin: unknown.
Comment: This frameshift variant alters the translational reading frame of the BRCA2 mRNA and is predicted to cause the premature termination of BRCA2 protein synthesis. To the best of our knowledge, the variant has not been reported in online databases or the published literature. It also has not been reported in large, multi-ethnic general populations. Based on the available information, this variant is classified as likely pathogenic.